The following is an entry in ClinVar:

NM_000363.5(TNNI3):c.328G>A (p.Glu110Lys)

Gene: TNNI3 (troponin I3, cardiac type; minus strand). Cytogenetic location: 19q13.42.
Variant type: single nucleotide variant.
Coding change: c.328G>A on transcript NM_000363.5 (MANE Select); coding-DNA position 328, G replaced by A.
Protein change: p.Glu110Lys; replaces glutamic acid 110 with lysine.
Molecular consequence: missense variant.
Genome position (GRCh38, 1-based): chr19:55,154,785, C>T on the plus strand (G>A on the coding strand, the complement: TNNI3 is on the minus strand). VCF-style: chr19-55154785-C-T. GRCh37 (hg19) VCF-style: chr19-55666153-C-T.
Other names: short protein forms E110K.
Identifiers: ClinVar variation 1171426 (VCV001171426.3), dbSNP rs2147283707, ClinGen allele CA407441055.

ClinVar aggregate classification (germline): Uncertain significance (1 of 4 stars; one submission).

Conditions:
Cardiomyopathy (CMYO). Also called: Cardiomyopathies. Identifiers: Orphanet 167848, MedGen C0878544, MONDO:0004994, HP:0001638. Inheritance: Various modes of inheritance.

Allele frequency attached by ClinVar (database versions not stated): gnomAD exomes below 0.00001.
gnomAD v4.1: 1 of 1,614,204 alleles (0.000062%); highest among the groups gnomAD compares: Admixed American, 0.0017%; no homozygotes.

Submission:

Color Diagnostics, LLC DBA Color Health
Classification: Uncertain significance for Cardiomyopathy. Last evaluated: 2024-03-06. Review status: criteria provided, single submitter. Criteria: ACMG Guidelines, 2015. Collection method: clinical testing. Allele origin: germline.
Comment: This missense variant replaces glutamic acid with lysine at codon 110 of the TNNI3 protein. Computational prediction suggests that this variant may have deleterious impact on protein structure and function (internally defined REVEL score threshold >= 0.7, PMID: 27666373). To our knowledge, functional studies have not been reported for this variant. This variant has not been reported in individuals affected with cardiovascular disorders in the literature. This variant has not been identified in the general population by the Genome Aggregation Database (gnomAD). The available evidence is insufficient to determine the role of this variant in disease conclusively. Therefore, this variant is classified as a Variant of Uncertain Significance.